The following is an entry in ClinVar:

NM_024757.5(EHMT1):c.2161del (p.Glu721fs)

Gene: EHMT1 (euchromatic histone lysine methyltransferase 1; plus strand). Cytogenetic location: 9q34.3.
Variant type: Deletion.
Coding change: c.2161del on transcript NM_024757.5 (MANE Select); coding-DNA position 2161, one base deleted (G; older notation c.2161delG).
Protein change: p.Glu721fs; shifts the reading frame from glutamic acid 721.
Molecular consequence: frameshift variant.
Genome position (GRCh38, 1-based): chr9:137,778,024, G deleted; the last of 2 consecutive G bases (chr9:137,778,023-137,778,024); deleting either gives the same sequence. VCF-style (leftmost placement, unchanged base first): chr9-137778022-TG-T. GRCh37 (hg19) VCF-style: chr9-140672474-TG-T.
Other names: c.2161del, p.Glu721fs (NM_001145527.2); c.2068del, p.Glu690fs (NM_001354259.2); c.2140del, p.Glu714fs (NM_001354263.2); short protein forms E690fs, E714fs, E721fs.
Identifiers: ClinVar variation 1076531 (VCV001076531.8), dbSNP rs2136712996, ClinGen allele CA2499219811.

ClinVar aggregate classification (germline): Pathogenic (1 of 4 stars; one submission).

Conditions:
Kleefstra syndrome 1 (KLEFS1). Identifiers: Orphanet 261494, MedGen C0795833, MONDO:0027407, OMIM 610253.

Submission:

Labcorp Genetics (formerly Invitae), Labcorp
Classification: Pathogenic for Kleefstra syndrome 1. Last evaluated: 2020-02-10. Review status: criteria provided, single submitter. Criteria: Invitae Variant Classification Sherloc (09022015). Collection method: clinical testing. Allele origin: germline.
Comment: This sequence change creates a premature translational stop signal (p.Glu721Argfs*90) in the EHMT1 gene. It is expected to result in an absent or disrupted protein product. This variant is not present in population databases (ExAC no frequency). This variant has not been reported in the literature in individuals with EHMT1-related conditions. Loss-of-function variants in EHMT1 are known to be pathogenic (PMID: 16826528, 19264732). For these reasons, this variant has been classified as Pathogenic.

Literature cited by the submitters: PubMed 16826528; PubMed 19264732.